The following is an entry in ClinVar:

ClinVar aggregate classification (germline): Conflicting classifications of pathogenicity. Review status: criteria provided, conflicting classifications (1 of 4 stars). 2 submissions from 2 submitters: Uncertain significance (1); Likely benign (1). Last evaluated 2018-01-13.

Conditions:
Classic homocystinuria. Also called: Homocystinuria due to Cystathionine Beta-Synthase Deficiency; HOMOCYSTINURIA WITH OR WITHOUT RESPONSE TO PYRIDOXINE; Homocystinuria due to CBS deficiency; Cystathionine beta-synthase deficiency; CBS deficiency. Identifiers: Orphanet 394, MedGen C0751202, MONDO:0009352, OMIM 236200.

Submissions (2):

Illumina Laboratory Services, Illumina
Classification: Uncertain significance for Classic homocystinuria. Last evaluated: 2018-01-13. Review status: criteria provided, single submitter. Criteria: ICSL Variant Classification Criteria 13 December 2019. Collection method: clinical testing. Allele origin: germline.

GeneDx
Classification: Likely benign. Last evaluated: 2017-08-15. Review status: criteria provided, single submitter. Criteria: GeneDx Variant Classification (06012015). Collection method: clinical testing. Allele origin: germline. Affected: yes.
Comment: This variant is considered likely benign or benign based on one or more of the following criteria: it is a conservative change, it occurs at a poorly conserved position in the protein, it is predicted to be benign by multiple in silico algorithms, and/or has population frequency not consistent with disease.

NM_000071.3(CBS):c.-85+10G>C

Gene: CBS (cystathionine beta-synthase; minus strand). Cytogenetic location: 21q22.3.
Variant type: single nucleotide variant.
Coding change: c.-85+10G>C on transcript NM_000071.3 (MANE Select); 10 bases into the intron after 85 bases upstream of the start codon, G replaced by C.
Molecular consequence: intron variant.
Genome position (GRCh38, 1-based): chr21:43,075,760, C>G on the plus strand (G>C on the coding strand, the complement: CBS is on the minus strand). VCF-style: chr21-43075760-C-G. GRCh37 (hg19) VCF-style: chr21-44495870-C-G.
Other names: c.-85+465G>C (NM_001320298.2, NM_001178009.3, NM_001178008.3).
Identifiers: ClinVar variation 340093 (VCV000340093.5), dbSNP rs886057102, ClinGen allele CA10650563.